The following is an entry in ClinVar:

ClinVar aggregate classification (germline): Uncertain significance (1 of 4 stars; one submission).

Allele frequency attached by ClinVar (database versions not stated): gnomAD exomes below 0.00001; TOPMed below 0.00001.

Submission:

Labcorp Genetics (formerly Invitae), Labcorp
Classification: Uncertain significance. Last evaluated: 2023-08-11. Review status: criteria provided, single submitter. Criteria: Invitae Variant Classification Sherloc (09022015). Collection method: clinical testing. Allele origin: germline.
Comment: This variant has not been reported in the literature in individuals affected with RAB11B-related conditions. This variant is not present in population databases (gnomAD no frequency). This sequence change replaces proline, which is neutral and non-polar, with leucine, which is neutral and non-polar, at codon 201 of the RAB11B protein (p.Pro201Leu). In summary, the available evidence is currently insufficient to determine the role of this variant in disease. Therefore, it has been classified as a Variant of Uncertain Significance. An algorithm developed to predict the effect of missense changes on protein structure and function (PolyPhen-2) suggests that this variant is likely to be tolerated.

NM_004218.4(RAB11B):c.602C>T (p.Pro201Leu)

Gene: RAB11B (RAB11B, member RAS oncogene family; plus strand). Cytogenetic location: 19p13.2.
Variant type: single nucleotide variant.
Coding change: c.602C>T on transcript NM_004218.4 (MANE Select); coding-DNA position 602, C replaced by T.
Protein change: p.Pro201Leu; replaces proline 201 with leucine.
Molecular consequence: missense variant.
Genome position (GRCh38, 1-based): chr19:8,403,503, C>T. VCF-style: chr19-8403503-C-T. GRCh37 (hg19) VCF-style: chr19-8468387-C-T.
Other names: short protein forms P201L.
Identifiers: ClinVar variation 2995733 (VCV002995733.3), dbSNP rs1226766733, ClinGen allele CA403716950.